The following is an entry in ClinVar:

NM_001267550.2(TTN):c.68225-5T>C

Genes: TTN (titin; minus strand), TTN-AS1 (TTN antisense RNA 1; plus strand), LOC126806423 (CDK7 strongly-dependent group 2 enhancer GRCh37_chr2:179443309-179444508; plus strand). Cytogenetic location: 2q31.2.
Variant type: single nucleotide variant.
Coding change: c.68225-5T>C on transcript NM_001267550.2 (MANE Select); 5 bases into the intron before coding-DNA position 68225, T replaced by C.
Molecular consequence: intron variant.
Genome position (GRCh38, 1-based): chr2:178,578,720, A>G on the plus strand (T>C on the coding strand, the complement: TTN is on the minus strand). VCF-style: chr2-178578720-A-G. GRCh37 (hg19) VCF-style: chr2-179443447-A-G.
Other names: c.41030-5T>C (NM_003319.4); c.41606-5T>C (NM_133437.4); c.41405-5T>C (NM_133432.3); c.60521-5T>C (NM_133378.4); c.63302-5T>C (NM_001256850.1).
Identifiers: ClinVar variation 228131 (VCV000228131.22), dbSNP rs758273663, ClinGen allele CA1991154.

ClinVar aggregate classification (germline): Conflicting classifications of pathogenicity. Review status: criteria provided, conflicting classifications (1 of 4 stars). 7 submissions from 7 submitters: Uncertain significance (1); Likely benign (4). 2 of the submissions do not count toward it. Last evaluated 2026-01-16.

Conditions:
TTN-related disorder. Also called: TTN-related disorders; TTN-related condition; TTN-related disease.
Cardiovascular phenotype. Identifiers: MedGen CN230736.
Dilated cardiomyopathy 1G (CMD1G). Identifiers: Orphanet 154, MedGen C1858763, MONDO:0011400, OMIM 604145.
Autosomal recessive limb-girdle muscular dystrophy type 2J (LGMDR10). Also called: Limb-girdle muscular dystrophy, type 2J; MUSCULAR DYSTROPHY, LIMB-GIRDLE, AUTOSOMAL RECESSIVE 10. Identifiers: Orphanet 140922, MedGen C1837342, MONDO:0012127, OMIM 608807.

Allele frequency attached by ClinVar (database versions not stated): gnomAD exomes 0.00001 and 0.00002; ExAC 0.00003; gnomAD 0.00009; TOPMed 0.00011.
gnomAD v4.1: 28 of 1,607,770 alleles (0.0017%); highest among the groups gnomAD compares: African/African-American, 0.028%; no homozygotes.

Submissions (7):

Labcorp Genetics (formerly Invitae), Labcorp
Classification: Likely benign for Dilated cardiomyopathy 1G; Autosomal recessive limb-girdle muscular dystrophy type 2J. Last evaluated: 2026-01-16. Review status: criteria provided, single submitter. Criteria: Invitae Variant Classification Sherloc (09022015). Collection method: clinical testing. Allele origin: germline.

PreventionGenetics, part of Exact Sciences
Classification: Likely benign for TTN-related condition. Last evaluated: 2025-09-12. Review status: criteria provided, single submitter. Criteria: ACMG Guidelines, 2015. Collection method: clinical testing. Allele origin: germline.
Comment: This variant is classified as likely benign based on ACMG/AMP sequence variant interpretation guidelines (Richards et al. 2015 PMID: 25741868, with internal and published modifications).

Ambry Genetics
Classification: Uncertain significance for Cardiovascular phenotype. Last evaluated: 2024-02-21. Review status: criteria provided, single submitter. Criteria: Ambry Variant Classification Scheme 2023. Collection method: clinical testing. Allele origin: germline.
Comment: The c.41030-5T>C intronic variant results from a T to C substitution 5 nucleotides upstream from coding exon 148 in the TTN gene. This nucleotide position is poorly conserved in available vertebrate species. In silico splice site analysis predicts that this alteration will not have any significant effect on splicing. Since supporting evidence is limited at this time, the clinical significance of this alteration remains unclear.

GeneDx
Classification: Likely benign. Last evaluated: 2019-11-14. Review status: criteria provided, single submitter. Criteria: GeneDx Variant Classification Process June 2021. Collection method: clinical testing. Allele origin: germline. Affected: yes.

Laboratory for Molecular Medicine, Mass General Brigham Personalized Medicine
Classification: Likely benign. Last evaluated: 2015-10-22. Review status: criteria provided, single submitter. Criteria: LMM Criteria. Collection method: clinical testing. Allele origin: germline. Observed: 1 variant allele.
Comment: c.60521-5T>C in intron 269 of TTN: This variant is not expected to have clinical significance because a T>C change at this position does not diverge from the sp lice consensus sequence and is therefore unlikely to impact splicing. It has bee n identified in 2/11208 of Latino chromosomes and 1/9538 African chromosomes by the Exome Aggregation Consortium (ExAC).

Clinical Genetics, Academic Medical Center
Classification: Benign. Review status: no assertion criteria provided. Collection method: clinical testing. Allele origin: germline. Affected: yes. Study: VKGL Data-share Consensus. Not counted in ClinVar's aggregate classification.

Laboratory of Diagnostic Genome Analysis, Leiden University Medical Center (LUMC)
Classification: Likely benign. Review status: no assertion criteria provided. Collection method: clinical testing. Allele origin: germline. Affected: yes. Study: VKGL Data-share Consensus. Not counted in ClinVar's aggregate classification.